The following is an entry in ClinVar:

ClinVar aggregate classification (germline): Uncertain significance (1 of 4 stars; one submission).

Submission:

CeGaT Center for Human Genetics Tuebingen
Classification: Uncertain significance. Last evaluated: 2024-11-01. Review status: criteria provided, single submitter. Criteria: CeGaT Center For Human Genetics Tuebingen Variant Classification Criteria Version 2. Collection method: clinical testing. Allele origin: germline. Affected: yes. Observed: 1 variant allele.
Comment: PDE3A: PM2

NM_000921.5(PDE3A):c.710G>A (p.Arg237Lys)

Genes: PDE3A (phosphodiesterase 3A; plus strand), PDE3A-AS1 (PDE3A antisense RNA 1; minus strand). Cytogenetic location: 12p12.2.
Variant type: single nucleotide variant.
Coding change: c.710G>A on transcript NM_000921.5 (MANE Select); coding-DNA position 710, G replaced by A.
Protein change: p.Arg237Lys; replaces arginine 237 with lysine.
Molecular consequence: missense variant. On other transcripts: non-coding transcript variant (1), 5 prime UTR variant (1).
Genome position (GRCh38, 1-based): chr12:20,369,994, G>A. VCF-style: chr12-20369994-G-A. GRCh37 (hg19) VCF-style: chr12-20522928-G-A.
Other names: c.710G>A, p.Arg237Lys (NM_001378407.1); c.-319G>A (NM_001378408.1); short protein forms R237K.
Identifiers: ClinVar variation 3390162 (VCV003390162.14).